The following is an entry in ClinVar:

ClinVar aggregate classification (germline): Uncertain significance. Review status: criteria provided, multiple submitters, no conflicts (2 of 4 stars). 2 submissions from 2 submitters: Uncertain significance (2). Last evaluated 2025-03-26.

Conditions:
Atrial fibrillation, familial, 7 (ATFB7). Identifiers: MedGen C2677106, MONDO:0012828, OMIM 612240.

Allele frequency attached by ClinVar (database versions not stated): gnomAD exomes below 0.00001.
gnomAD v4.1: 1 of 1,614,132 alleles (0.000062%); highest among the groups gnomAD compares: East Asian, 0.0022%; no homozygotes.

Submissions (2):

Labcorp Genetics (formerly Invitae), Labcorp
Classification: Uncertain significance for Atrial fibrillation, familial, 7. Last evaluated: 2025-03-26. Review status: criteria provided, single submitter. Criteria: Invitae Variant Classification Sherloc (09022015). Collection method: clinical testing. Allele origin: germline.
Comment: This sequence change replaces alanine, which is neutral and non-polar, with threonine, which is neutral and polar, at codon 576 of the KCNA5 protein (p.Ala576Thr). This variant is present in population databases (no rsID available, gnomAD 0.006%). This variant has not been reported in the literature in individuals affected with KCNA5-related conditions. ClinVar contains an entry for this variant (Variation ID: 1305421). An algorithm developed to predict the effect of missense changes on protein structure and function outputs the following: PolyPhen-2: "Benign". The threonine amino acid residue is found in multiple mammalian species, which suggests that this missense change does not adversely affect protein function. In summary, the available evidence is currently insufficient to determine the role of this variant in disease. Therefore, it has been classified as a Variant of Uncertain Significance.

GeneDx
Classification: Uncertain significance. Last evaluated: 2019-05-02. Review status: criteria provided, single submitter. Criteria: GeneDx Variant Classification Process June 2021. Collection method: clinical testing. Allele origin: germline. Affected: yes.
Comment: Not observed at a significant frequency in large population cohorts (Lek et al., 2016); In silico analysis, which includes protein predictors and evolutionary conservation, supports that this variant does not alter protein structure/function; Has not been previously published as pathogenic or benign to our knowledge

NM_002234.4(KCNA5):c.1726G>A (p.Ala576Thr)

Gene: KCNA5 (potassium voltage-gated channel subfamily A member 5; plus strand). Cytogenetic location: 12p13.32.
Variant type: single nucleotide variant.
Coding change: c.1726G>A on transcript NM_002234.4 (MANE Select); coding-DNA position 1726, G replaced by A.
Protein change: p.Ala576Thr; replaces alanine 576 with threonine.
Molecular consequence: missense variant.
Genome position (GRCh38, 1-based): chr12:5,045,873, G>A. VCF-style: chr12-5045873-G-A. GRCh37 (hg19) VCF-style: chr12-5155039-G-A.
Other names: short protein forms A576T.
Identifiers: ClinVar variation 1305421 (VCV001305421.9), dbSNP rs1454481810, ClinGen allele CA383467092.